The following is an entry in ClinVar:

ClinVar aggregate classification (germline): Uncertain significance (1 of 4 stars; one submission).

Conditions:
Fanconi anemia (FA). Also called: Fanconi's anemia. Identifiers: Orphanet 84, MedGen C0015625, MeSH D005199, MONDO:0019391.

Allele frequency attached by ClinVar (database versions not stated): gnomAD exomes below 0.00001 and 0.00001; ExAC 0.00001; gnomAD 0.00001; TOPMed 0.00002.
gnomAD v4.1: 5 of 1,610,594 alleles (0.00031%); highest among the groups gnomAD compares: Admixed American, 0.0067%; no homozygotes.

Submission:

Labcorp Genetics (formerly Invitae), Labcorp
Classification: Uncertain significance for Fanconi anemia. Last evaluated: 2024-03-29. Review status: criteria provided, single submitter. Criteria: Invitae Variant Classification Sherloc (09022015). Collection method: clinical testing. Allele origin: germline.
Comment: This sequence change replaces tyrosine, which is neutral and polar, with cysteine, which is neutral and slightly polar, at codon 66 of the FANCL protein (p.Tyr66Cys). This variant is present in population databases (rs200306031, gnomAD 0.009%). This variant has not been reported in the literature in individuals affected with FANCL-related conditions. ClinVar contains an entry for this variant (Variation ID: 1472220). Advanced modeling of protein sequence and biophysical properties (such as structural, functional, and spatial information, amino acid conservation, physicochemical variation, residue mobility, and thermodynamic stability) performed at Invitae indicates that this missense variant is not expected to disrupt FANCL protein function with a negative predictive value of 80%. In summary, the available evidence is currently insufficient to determine the role of this variant in disease. Therefore, it has been classified as a Variant of Uncertain Significance.

NM_018062.4(FANCL):c.197A>G (p.Tyr66Cys)

Gene: FANCL (FA complementation group L; minus strand). Cytogenetic location: 2p16.1.
Variant type: single nucleotide variant.
Coding change: c.197A>G on transcript NM_018062.4 (MANE Select); coding-DNA position 197, A replaced by G.
Protein change: p.Tyr66Cys; replaces tyrosine 66 with cysteine.
Molecular consequence: missense variant.
Genome position (GRCh38, 1-based): chr2:58,229,833, T>C on the plus strand (A>G on the coding strand, the complement: FANCL is on the minus strand). VCF-style: chr2-58229833-T-C. GRCh37 (hg19) VCF-style: chr2-58456968-T-C.
Other names: c.197A>G, p.Tyr66Cys (NM_001114636.2, NM_001374615.1, NM_001410792.1); short protein forms Y66C.
Identifiers: ClinVar variation 1472220 (VCV001472220.5), dbSNP rs200306031, ClinGen allele CA1670759.